The following is an entry in ClinVar:

ClinVar aggregate classification (germline): Benign/Likely benign. Review status: criteria provided, multiple submitters, no conflicts (2 of 4 stars). 7 submissions from 7 submitters: Benign (2); Likely benign (4). 1 of the submissions does not count toward it. Last evaluated 2026-01-28.

Conditions:
Usher syndrome type 1 (USH1). Also called: RETINITIS PIGMENTOSA AND CONGENITAL DEAFNESS. Identifiers: Orphanet 231169, Orphanet 886, MedGen C1568247, MONDO:0010168, OMIM 276900.

Allele frequency attached by ClinVar (database versions not stated): gnomAD exomes 0.00064; ExAC 0.00080; ESP Exome Variant Server 0.00219; gnomAD 0.00265 and 0.00281; 1000 Genomes Project 0.00280; TOPMed 0.00284; 1000 Genomes Project 30x 0.00344.
gnomAD v4.1: 820 of 1,613,926 alleles (0.051%); highest among the groups gnomAD compares: African/African-American, 0.97%; 5 homozygotes.

Submissions (7):

Labcorp Genetics (formerly Invitae), Labcorp
Classification: Benign. Last evaluated: 2026-01-28. Review status: criteria provided, single submitter. Criteria: Invitae Variant Classification Sherloc (09022015). Collection method: clinical testing. Allele origin: germline.

CeGaT Center for Human Genetics Tuebingen
Classification: Likely benign. Last evaluated: 2025-04-01. Review status: criteria provided, single submitter. Criteria: CeGaT Center For Human Genetics Tuebingen Variant Classification Criteria Version 2. Collection method: clinical testing. Allele origin: germline. Affected: yes. Observed: 2 variant alleles.
Comment: CDH23: BP4, BP7

Blueprint Genetics
Classification: Likely benign. Last evaluated: 2024-10-09. Review status: criteria provided, single submitter. Criteria: ACMG Guidelines, 2015. Collection method: clinical testing. Allele origin: germline.

GeneDx
Classification: Likely benign. Last evaluated: 2021-03-31. Review status: criteria provided, single submitter. Criteria: GeneDx Variant Classification Process June 2021. Collection method: clinical testing. Allele origin: germline. Affected: yes.

Laboratory for Molecular Medicine, Mass General Brigham Personalized Medicine
Classification: Benign. Last evaluated: 2012-04-30. Review status: criteria provided, single submitter. Criteria: LMM Criteria. Collection method: clinical testing. Allele origin: germline. Observed: 4 variant alleles.
Comment: Ala3068Ala in Exon 64 of CDH23: This variant is not expected to have clinical si gnificance because it does not alter an amino acid residue, is not located withi n the splice consensus sequence, and has been identified in 0.7% (24/3642) of Af rican American chromosomes from a broad population by the NHLBI Exome Sequencing Project.

Breakthrough Genomics
Classification: Likely benign. Review status: criteria provided, single submitter. Criteria: ACMG Guidelines, 2015. Collection method: not provided. Allele origin: germline. Inheritance: Autosomal recessive inheritance. Affected: yes.

Natera, Inc.
Classification: Likely benign for Usher syndrome type 1. Last evaluated: 2019-12-17. Review status: no assertion criteria provided. Collection method: clinical testing. Allele origin: germline. Not counted in ClinVar's aggregate classification.

NM_022124.6(CDH23):c.9204G>A (p.Ala3068=)

Gene: CDH23 (cadherin related 23; plus strand). Cytogenetic location: 10q22.1.
Variant type: single nucleotide variant.
Coding change: c.9204G>A on transcript NM_022124.6 (MANE Select); coding-DNA position 9204, G replaced by A.
Protein change: p.Ala3068=; no amino-acid change (alanine 3068 retained).
Molecular consequence: synonymous variant.
Genome position (GRCh38, 1-based): chr10:71,811,516, G>A. VCF-style: chr10-71811516-G-A. GRCh37 (hg19) VCF-style: chr10-73571273-G-A.
Other names: c.2484G>A, p.Ala828= (NM_001171933.1, NM_001171934.1).
Identifiers: ClinVar variation 162952 (VCV000162952.32), dbSNP rs192266658, ClinGen allele CA175530.